The following is an entry in ClinVar:

ClinVar aggregate classification (germline): Pathogenic (1 of 4 stars; one submission).

Conditions:
Familial cancer of breast. Also called: Hereditary breast cancer; hereditary breast carcinoma; BREAST CANCER, FAMILIAL. Identifiers: Orphanet 227535, MedGen C0346153, MONDO:0016419, OMIM 114480. Disease mechanism: loss of function.

Submission:

Labcorp Genetics (formerly Invitae), Labcorp
Classification: Pathogenic for Familial cancer of breast. Last evaluated: 2025-11-09. Review status: criteria provided, single submitter. Criteria: Invitae Variant Classification Sherloc (09022015). Collection method: clinical testing. Allele origin: germline.
Comment: This sequence change creates a premature translational stop signal (p.Ile344Tyrfs*5) in the CHEK2 gene. It is expected to result in an absent or disrupted protein product. Loss-of-function variants in CHEK2 are known to be pathogenic (PMID: 21876083, 24713400). This variant is not present in population databases (gnomAD no frequency). This variant has not been reported in the literature in individuals affected with CHEK2-related conditions. Algorithms developed to predict the effect of sequence changes on RNA splicing suggest that this variant may disrupt the consensus splice site. For these reasons, this variant has been classified as Pathogenic.

Literature cited by the submitters: PubMed 21876083; PubMed 24713400.

NM_007194.4(CHEK2):c.1026_1029dup (p.Ile344fs)

Gene: CHEK2 (checkpoint kinase 2; minus strand). Cytogenetic location: 22q12.1.
Variant type: Duplication.
Coding change: c.1026_1029dup on transcript NM_007194.4 (MANE Select); coding-DNA positions 1026 to 1029, 4 bases duplicated (TATT; older notation c.1026_1029dupTATT).
Protein change: p.Ile344fs; shifts the reading frame from isoleucine 344.
Molecular consequence: frameshift variant. On other transcripts: intron variant (3).
Genome position (GRCh38, 1-based): chr22:28,696,967-28,696,970, AATA duplicated on the plus strand (TATT on the coding strand, the reverse complement: CHEK2 is on the minus strand). VCF-style (leftmost placement, unchanged base first): chr22-28696966-T-TAATA. GRCh37 (hg19) VCF-style: chr22-29092954-T-TAATA.
Other names: c.1155_1158dup, p.Ile387fs (NM_001005735.3); c.363_366dup, p.Ile123fs (NM_001257387.3, NM_001437942.1); c.825_828dup, p.Ile277fs (NM_001349956.3); c.1119_1122dup, p.Ile375fs (NM_001438293.1); c.1009-1097_1009-1094dup (NM_145862.3); c.1102-1097_1102-1094dup (NM_001438295.1); c.1138-1097_1138-1094dup (NM_001438294.1); short protein forms I375fs, I277fs, I344fs, I123fs, I387fs.
Identifiers: ClinVar variation 4730765 (VCV004730765.1).